The following is an entry in ClinVar:

ClinVar aggregate classification (germline): Conflicting classifications of pathogenicity. Review status: criteria provided, conflicting classifications (1 of 4 stars). 4 submissions from 4 submitters: Uncertain significance (2); Likely benign (2). Last evaluated 2025-12-19.

Conditions:
Xeroderma pigmentosum, group G (XPG). Also called: XERODERMA PIGMENTOSUM VII; XP, GROUP G; Xeroderma pigmentosum type 7; ERCC5-Related Xeroderma Pigmentosum. Identifiers: MedGen C0268141, MONDO:0010216, OMIM 278780.
Cerebrooculofacioskeletal syndrome 3 (COFS3). Identifiers: MedGen C1851443, MONDO:0014696, OMIM 616570.
Hereditary cancer-predisposing syndrome. Also called: Neoplastic Syndromes, Hereditary; Tumor predisposition; Hereditary Cancer Syndrome; Hereditary neoplastic syndrome. Identifiers: Orphanet 140162, MedGen C0027672, MeSH D009386, MONDO:0015356.

Allele frequency attached by ClinVar (database versions not stated): ExAC 0.00016; gnomAD 0.00018 and 0.00020; gnomAD exomes 0.00019; TOPMed 0.00022.
gnomAD v4.1: 111 of 1,613,984 alleles (0.0069%); highest among the groups gnomAD compares: Admixed American, 0.16%; 1 homozygote.

Submissions (4):

Labcorp Genetics (formerly Invitae), Labcorp
Classification: Likely benign. Last evaluated: 2025-12-19. Review status: criteria provided, single submitter. Criteria: Invitae Variant Classification Sherloc (09022015). Collection method: clinical testing. Allele origin: germline.

Sema4
Classification: Likely benign for Hereditary cancer-predisposing syndrome. Last evaluated: 2021-12-20. Review status: criteria provided, single submitter. Criteria: Sema4 Curation Guidelines. Collection method: curation. Allele origin: germline.

Baylor Genetics
Classification: Uncertain significance for Cerebrooculofacioskeletal syndrome 3. Last evaluated: 2020-11-25. Review status: criteria provided, single submitter. Criteria: ACMG Guidelines, 2015. Collection method: clinical testing. Allele origin: unknown. Affected: yes. Study: CSER-TexasKidsCanSeq.
Comment: This variant was determined to be of uncertain significance according to ACMG Guidelines, 2015 [PMID:25741868].

Illumina Laboratory Services, Illumina
Classification: Uncertain significance for Xeroderma pigmentosum, group G. Last evaluated: 2018-01-12. Review status: criteria provided, single submitter. Criteria: ICSL Variant Classification Criteria 13 December 2019. Collection method: clinical testing. Allele origin: germline.

NM_000123.4(ERCC5):c.442C>T (p.Pro148Ser)

Genes: BIVM-ERCC5 (BIVM-ERCC5 readthrough; plus strand), ERCC5 (ERCC excision repair 5, endonuclease; plus strand). Cytogenetic location: 13q33.1.
Variant type: single nucleotide variant.
Coding change: c.442C>T on transcript NM_000123.4 (MANE Select); coding-DNA position 442, C replaced by T.
Protein change: p.Pro148Ser; replaces proline 148 with serine.
Molecular consequence: missense variant.
Genome position (GRCh38, 1-based): chr13:102,854,349, C>T. VCF-style: chr13-102854349-C-T. GRCh37 (hg19) VCF-style: chr13-103506699-C-T.
Other names: c.1804C>T, p.Pro602Ser (NM_001204425.2); short protein forms P148S, P602S.
Identifiers: ClinVar variation 310913 (VCV000310913.11), dbSNP rs778333931, ClinGen allele CA7041148.